The following is an entry in ClinVar:

ClinVar aggregate classification (germline): Uncertain significance (1 of 4 stars; one submission).

Submission:

CeGaT Center for Human Genetics Tuebingen
Classification: Uncertain significance. Last evaluated: 2024-12-01. Review status: criteria provided, single submitter. Criteria: CeGaT Center For Human Genetics Tuebingen Variant Classification Criteria Version 2. Collection method: clinical testing. Allele origin: germline. Affected: yes. Observed: 1 variant allele.
Comment: RAB3GAP1: PM2

NM_012233.3(RAB3GAP1):c.2359G>A (p.Ala787Thr)

Gene: RAB3GAP1 (RAB3 GTPase activating protein catalytic subunit 1; plus strand). Cytogenetic location: 2q21.3.
Variant type: single nucleotide variant.
Coding change: c.2359G>A on transcript NM_012233.3 (MANE Select); coding-DNA position 2359, G replaced by A.
Protein change: p.Ala787Thr; replaces alanine 787 with threonine.
Molecular consequence: missense variant.
Genome position (GRCh38, 1-based): chr2:135,162,624, G>A. VCF-style: chr2-135162624-G-A. GRCh37 (hg19) VCF-style: chr2-135920194-G-A.
Other names: c.2359G>A, p.Ala787Thr (NM_001172435.2); short protein forms A787T.
Identifiers: ClinVar variation 3772124 (VCV003772124.13).